The following is an entry in ClinVar:

NM_001611.5(ACP5):c.406T>C (p.Phe136Leu)

Gene: ACP5 (acid phosphatase 5, tartrate resistant; minus strand). Cytogenetic location: 19p13.2.
Variant type: single nucleotide variant.
Coding change: c.406T>C on transcript NM_001611.5 (MANE Select); coding-DNA position 406, T replaced by C.
Protein change: p.Phe136Leu; replaces phenylalanine 136 with leucine.
Molecular consequence: missense variant.
Genome position (GRCh38, 1-based): chr19:11,576,572, A>G on the plus strand (T>C on the coding strand, the complement: ACP5 is on the minus strand). VCF-style: chr19-11576572-A-G. GRCh37 (hg19) VCF-style: chr19-11687387-A-G.
Other names: c.406T>C, p.Phe136Leu (NM_001111034.3, NM_001111035.3, NM_001111036.3 and 1 more transcripts); short protein forms F136L.
Identifiers: ClinVar variation 1438955 (VCV001438955.6), dbSNP rs2145089685, ClinGen allele CA404147188.
Genomic context (GRCh38, chr19:11,576,572, plus strand): 5'-CCAGCATAAAAATGGCCACAGACACATTGGTCTGTGGGATCTTGAAGTGCAGGCGGTAGA[A>G]AGGGCTGGGGAAGTTCCTGTGGAGGGGATAGAGGTCGTGGGTGCACATCTTGGGCGCAGA-3'
Protein context (NP_001602.1, residues 126-146): ISKRWNFPSP[Phe136Leu]YRLHFKIPQT

ClinVar aggregate classification (germline): Uncertain significance (1 of 4 stars; one submission).

Conditions:
Spondyloenchondrodysplasia with immune dysregulation (SPENCDI). Also called: SPONDYLOENCHONDRODYSPLASIA WITH OR WITHOUT IMMUNE DYSREGULATION; ROIFMAN IMMUNOSKELETAL SYNDROME; COMBINED IMMUNODEFICIENCY WITH AUTOIMMUNITY AND SPONDYLOMETAPHYSEAL DYSPLASIA. Identifiers: Orphanet 1855, MedGen C1842763, MONDO:0011939, OMIM 607944.

Allele frequency attached by ClinVar (database versions not stated): gnomAD exomes below 0.00001.
gnomAD v4.1: 1 of 1,613,632 alleles (0.000062%); highest among the groups gnomAD compares: Non-Finnish European, 0.000085%; no homozygotes.

Submission:

Labcorp Genetics (formerly Invitae), Labcorp
Classification: Uncertain significance for Spondyloenchondrodysplasia with immune dysregulation. Last evaluated: 2022-09-27. Review status: criteria provided, single submitter. Criteria: Invitae Variant Classification Sherloc (09022015). Collection method: clinical testing. Allele origin: germline.
Comment: In summary, the available evidence is currently insufficient to determine the role of this variant in disease. Therefore, it has been classified as a Variant of Uncertain Significance. Advanced modeling of protein sequence and biophysical properties (such as structural, functional, and spatial information, amino acid conservation, physicochemical variation, residue mobility, and thermodynamic stability) performed at Invitae indicates that this missense variant is not expected to disrupt ACP5 protein function. This variant is not present in population databases (gnomAD no frequency). This sequence change replaces phenylalanine with leucine at codon 136 of the ACP5 protein (p.Phe136Leu). The phenylalanine residue is weakly conserved and there is a small physicochemical difference between phenylalanine and leucine. ClinVar contains an entry for this variant (Variation ID: 1438955). This variant has not been reported in the literature in individuals affected with ACP5-related conditions.